The following is an entry in ClinVar:

ClinVar aggregate classification (germline): Uncertain significance (1 of 4 stars; one submission).

Allele frequency attached by ClinVar (database versions not stated): gnomAD exomes below 0.00001; gnomAD 0.00001.
gnomAD v4.1: 6 of 1,614,108 alleles (0.00037%); highest among the groups gnomAD compares: South Asian, 0.0033%; no homozygotes.

Submission:

Labcorp Genetics (formerly Invitae), Labcorp
Classification: Uncertain significance. Last evaluated: 2024-12-15. Review status: criteria provided, single submitter. Criteria: Invitae Variant Classification Sherloc (09022015). Collection method: clinical testing. Allele origin: germline.
Comment: This sequence change replaces arginine, which is basic and polar, with cysteine, which is neutral and slightly polar, at codon 256 of the TNFRSF11A protein (p.Arg256Cys). This variant is present in population databases (no rsID available, gnomAD 0.003%). This variant has not been reported in the literature in individuals affected with TNFRSF11A-related conditions. ClinVar contains an entry for this variant (Variation ID: 1417331). Invitae Evidence Modeling of protein sequence and biophysical properties (such as structural, functional, and spatial information, amino acid conservation, physicochemical variation, residue mobility, and thermodynamic stability) indicates that this missense variant is not expected to disrupt TNFRSF11A protein function with a negative predictive value of 80%. Algorithms developed to predict the effect of sequence changes on RNA splicing suggest that this variant may disrupt the consensus splice site. In summary, the available evidence is currently insufficient to determine the role of this variant in disease. Therefore, it has been classified as a Variant of Uncertain Significance.

NM_003839.4(TNFRSF11A):c.766C>T (p.Arg256Cys)

Gene: TNFRSF11A (TNF receptor superfamily member 11a; plus strand). Cytogenetic location: 18q21.33.
Variant type: single nucleotide variant.
Coding change: c.766C>T on transcript NM_003839.4 (MANE Select); coding-DNA position 766, C replaced by T.
Protein change: p.Arg256Cys; replaces arginine 256 with cysteine.
Molecular consequence: missense variant. On other transcripts: intron variant (2).
Genome position (GRCh38, 1-based): chr18:62,366,743, C>T. VCF-style: chr18-62366743-C-T. GRCh37 (hg19) VCF-style: chr18-60033976-C-T.
Other names: c.766C>T, p.Arg256Cys (NM_001270949.2); c.724C>T, p.Arg242Cys (NM_001278268.2); c.730+4950C>T (NM_001270950.2); c.616+6694C>T (NM_001270951.2); short protein forms R242C, R256C.
Identifiers: ClinVar variation 1417331 (VCV001417331.6), dbSNP rs1266722591, ClinGen allele CA402615112.